The following is an entry in ClinVar:

NM_001130987.2(DYSF):c.5509G>T (p.Gly1837Ter)

Gene: DYSF (dysferlin; plus strand). Cytogenetic location: 2p13.2.
Variant type: single nucleotide variant.
Coding change: c.5509G>T on transcript NM_001130987.2 (MANE Select); coding-DNA position 5509, G replaced by T.
Protein change: p.Gly1837Ter; replaces glycine 1837 with a stop codon.
Molecular consequence: nonsense.
Genome position (GRCh38, 1-based): chr2:71,668,805, G>T. VCF-style: chr2-71668805-G-T. GRCh37 (hg19) VCF-style: chr2-71895935-G-T.
Other names: c.5395G>T, p.Gly1799Ter (NM_001130455.2); c.5350G>T, p.Gly1784Ter (NM_001130976.2); c.5413G>T, p.Gly1805Ter (NM_001130977.2); c.5455G>T, p.Gly1819Ter (NM_001130978.2); c.5485G>T, p.Gly1829Ter (NM_001130979.2); c.5443G>T, p.Gly1815Ter (NM_001130980.2); c.5506G>T, p.Gly1836Ter (NM_001130981.2); c.5488G>T, p.Gly1830Ter (NM_001130982.2); and 5 more; short protein forms G1784*, G1785*, G1798*, G1799*, G1805*, G1806*, G1815*, G1816*.
Identifiers: ClinVar variation 4891269 (VCV004891269.1).
Genomic context (GRCh38, chr2:71,668,805, plus strand): 5'-TCTCCGCAGGGGAAGCTGCAGATGTGGGTCGACCTATTTCCGAAGGCCCTGGGGCGGCCT[G>T]GACCTCCCTTCAACATCACCCCACGGAGAGCCAGAAGGTGACTTGCCCAGCCACAGGCTC-3'

ClinVar aggregate classification (germline): Pathogenic/Likely pathogenic. Review status: criteria provided, multiple submitters, no conflicts (2 of 4 stars). 2 submissions from 2 submitters: Pathogenic (1); Likely pathogenic (1). Last evaluated 2025-11-07.

Conditions:
Autosomal recessive limb-girdle muscular dystrophy type 2B (LGMDR2). Also called: MUSCULAR DYSTROPHY, LIMB-GIRDLE, TYPE 3; Limb-girdle muscular dystrophy, type 2B; MUSCULAR DYSTROPHY, LIMB-GIRDLE, AUTOSOMAL RECESSIVE 2; Limb-Girdle Muscular Dystrophy Type 2B (LGMD2B). Identifiers: Orphanet 268, MedGen C1850889, MONDO:0009676, OMIM 253601.
DYSF-related disorder. Also called: DYSF-related condition; DYSF-related disorders.

Submissions (2):

Clinical Genetics Laboratory, University Hospital Schleswig-Holstein
Classification: Pathogenic for Autosomal recessive limb-girdle muscular dystrophy type 2B. Last evaluated: 2025-11-07. Review status: criteria provided, single submitter. Criteria: ACMG Guidelines, 2015. Collection method: clinical testing. Allele origin: germline. Affected: yes. Observed: 1 heterozygote.
Comment: ACMG criteria applied: PM2, PVS1

Blueprint Genetics
Classification: Likely pathogenic for DYSF-related disorders. Last evaluated: 2024-05-16. Review status: criteria provided, single submitter. Criteria: ACMG Guidelines, 2015. Collection method: clinical testing. Allele origin: germline. Affected: yes. Observed: 1 variant allele.